The following is an entry in ClinVar:

ClinVar aggregate classification (germline): Uncertain significance (1 of 4 stars; one submission).

Allele frequency attached by ClinVar (database versions not stated): gnomAD exomes below 0.00001; gnomAD 0.00001; ExAC 0.00002; 1000 Genomes Project 30x 0.00016; 1000 Genomes Project 0.00020.

Submission:

CeGaT Center for Human Genetics Tuebingen
Classification: Uncertain significance. Last evaluated: 2022-11-01. Review status: criteria provided, single submitter. Criteria: CeGaT Center For Human Genetics Tuebingen Variant Classification Criteria Version 2. Collection method: clinical testing. Allele origin: germline. Affected: yes. Observed: 1 variant allele.
Comment: POLR2A: PM2, PP2, PP3

NM_000937.5(POLR2A):c.980G>A (p.Arg327His)

Gene: POLR2A (RNA polymerase II subunit A; plus strand). Cytogenetic location: 17p13.1.
Variant type: single nucleotide variant.
Coding change: c.980G>A on transcript NM_000937.5 (MANE Select); coding-DNA position 980, G replaced by A.
Protein change: p.Arg327His; replaces arginine 327 with histidine.
Molecular consequence: missense variant.
Genome position (GRCh38, 1-based): chr17:7,497,516, G>A. VCF-style: chr17-7497516-G-A. GRCh37 (hg19) VCF-style: chr17-7400835-G-A.
Other names: short protein forms R327H.
Identifiers: ClinVar variation 2647343 (VCV002647343.24), dbSNP rs200190387, ClinGen allele CA8349311.